The following is an entry in ClinVar:

NM_004519.4(KCNQ3):c.2066A>C (p.Glu689Ala)

Gene: KCNQ3 (potassium voltage-gated channel subfamily Q member 3; minus strand). Cytogenetic location: 8q24.22.
Variant type: single nucleotide variant.
Coding change: c.2066A>C on transcript NM_004519.4 (MANE Select); coding-DNA position 2066, A replaced by C.
Protein change: p.Glu689Ala; replaces glutamic acid 689 with alanine.
Molecular consequence: missense variant.
Genome position (GRCh38, 1-based): chr8:132,129,815, T>G on the plus strand (A>C on the coding strand, the complement: KCNQ3 is on the minus strand). VCF-style: chr8-132129815-T-G. GRCh37 (hg19) VCF-style: chr8-133142062-T-G.
Other names: c.1706A>C, p.Glu569Ala (NM_001204824.2); short protein forms E569A, E689A.
Identifiers: ClinVar variation 3360029 (VCV003360029.1).

ClinVar aggregate classification (germline): Uncertain significance (1 of 4 stars; one submission).

Submission:

GeneDx
Classification: Uncertain significance. Last evaluated: 2023-06-16. Review status: criteria provided, single submitter. Criteria: GeneDx Variant Classification Process June 2021. Collection method: clinical testing. Allele origin: germline. Affected: yes.
Comment: Not observed at significant frequency in large population cohorts (gnomAD); In silico analysis supports that this missense variant does not alter protein structure/function; Has not been previously published as pathogenic or benign to our knowledge